The following is an entry in ClinVar:

ClinVar aggregate classification (germline): Conflicting classifications of pathogenicity. Review status: criteria provided, conflicting classifications (1 of 4 stars). 6 submissions from 6 submitters: Uncertain significance (4); Likely benign (1). 1 of the submissions does not count toward it. Last evaluated 2026-07-13.

Conditions:
TCIRG1-related disorder. Also called: TCIRG1-related condition.

Allele frequency attached by ClinVar (database versions not stated): 1000 Genomes Project 30x 0.00016; 1000 Genomes Project 0.00020; ExAC 0.00078; gnomAD 0.00088 and 0.00095; gnomAD exomes 0.00093 and 0.00158; TOPMed 0.00099; ESP Exome Variant Server 0.00100.

Submissions (6):

GeneDx
Classification: Uncertain significance. Last evaluated: 2026-07-13. Review status: criteria provided, single submitter. Criteria: GeneDx Variant Classification Process June 2021. Collection method: clinical testing. Allele origin: germline.
Comment: Reported with second TCIRG1 variant in a patient with malignant infantile osteopetrosis in published literature; however, familial segregation information and additional clinical information were not provided (PMID: 14675409); Identified in the heterozygous state in a patient with cerebral small vessel disease in published literature; however no additional TCIRG1 variants were identified and additional clinical information was not provided (PMID: 35699875); In silico analysis supports that this missense variant has a deleterious effect on protein structure/function; This variant is associated with the following publications: (PMID: 26415585, 27229898, 35573728, 14675409, 28440294, 35699875)

Labcorp Genetics (formerly Invitae), Labcorp
Classification: Likely benign. Last evaluated: 2026-01-28. Review status: criteria provided, single submitter. Criteria: Invitae Variant Classification Sherloc (09022015). Collection method: clinical testing. Allele origin: germline.

Blueprint Genetics
Classification: Uncertain significance. Last evaluated: 2024-10-16. Review status: criteria provided, single submitter. Criteria: ACMG Guidelines, 2015. Collection method: clinical testing. Allele origin: germline.

Eurofins Ntd Llc (ga)
Classification: Uncertain significance. Last evaluated: 2016-04-15. Review status: criteria provided, single submitter. Criteria: EGL Classification Definitions 2015. Collection method: clinical testing. Allele origin: germline. Observed: 1 variant allele, 1 heterozygote.

Breakthrough Genomics
Classification: Uncertain significance. Review status: criteria provided, single submitter. Criteria: ACMG Guidelines, 2015. Collection method: not provided. Allele origin: germline. Inheritance: Autosomal recessive inheritance. Affected: yes.

PreventionGenetics, part of Exact Sciences
Classification: Likely benign for TCIRG1-related condition. Last evaluated: 2023-03-09. Review status: no assertion criteria provided. Collection method: clinical testing. Allele origin: germline. Not counted in ClinVar's aggregate classification.
Comment: This variant is classified as likely benign based on ACMG/AMP sequence variant interpretation guidelines (Richards et al. 2015 PMID: 25741868, with internal and published modifications).

NM_006019.4(TCIRG1):c.1209G>A (p.Met403Ile)

Gene: TCIRG1 (T cell immune regulator 1, ATPase H+ transporting V0 subunit a3; plus strand). Cytogenetic location: 11q13.2.
Variant type: single nucleotide variant.
Coding change: c.1209G>A on transcript NM_006019.4 (MANE Select); coding-DNA position 1209, G replaced by A.
Protein change: p.Met403Ile; replaces methionine 403 with isoleucine.
Molecular consequence: missense variant.
Genome position (GRCh38, 1-based): chr11:68,047,476, G>A. VCF-style: chr11-68047476-G-A. GRCh37 (hg19) VCF-style: chr11-67814943-G-A.
Other names: c.315G>A, p.Met105Ile (NM_001351059.2); c.561G>A, p.Met187Ile (NM_006053.4); short protein forms M403I, M105I, M187I.
Identifiers: ClinVar variation 287328 (VCV000287328.18), dbSNP rs140191063, ClinGen allele CA6147023.